The following is an entry in ClinVar:

ClinVar aggregate classification (germline): Pathogenic/Likely pathogenic. Review status: criteria provided, multiple submitters, no conflicts (2 of 4 stars). 2 submissions from 2 submitters: Pathogenic (1); Likely pathogenic (1). Last evaluated 2022-11-22.

Conditions:
Early-infantile DEE. Also called: Early infantile epileptic encephalopathy with suppression bursts; Early infantile epileptic encephalopathy; Ohtahara syndrome. Identifiers: Orphanet 1934, MedGen C0393706, MONDO:0800491.

Submissions (2):

Labcorp Genetics (formerly Invitae), Labcorp
Classification: Pathogenic for Early-infantile DEE. Last evaluated: 2022-11-22. Review status: criteria provided, single submitter. Criteria: Invitae Variant Classification Sherloc (09022015). Collection method: clinical testing. Allele origin: germline.
Comment: This variant is not present in population databases (gnomAD no frequency). For these reasons, this variant has been classified as Pathogenic. ClinVar contains an entry for this variant (Variation ID: 808869). This premature translational stop signal has been observed in individual(s) with Dravet syndrome (PMID: 28202706). In at least one individual the variant was observed to be de novo. This sequence change creates a premature translational stop signal (p.Leu180*) in the SCN1A gene. It is expected to result in an absent or disrupted protein product. Loss-of-function variants in SCN1A are known to be pathogenic (PMID: 17347258, 18930999).

CeGaT Center for Human Genetics Tuebingen
Classification: Likely pathogenic. Last evaluated: 2016-05-01. Review status: criteria provided, single submitter. Criteria: CeGaT Center For Human Genetics Tuebingen Variant Classification Criteria Version 2. Collection method: clinical testing. Allele origin: germline. Affected: yes. Observed: 1 variant allele.

Literature cited by the submitters: PubMed 28202706 (cited by Labcorp Genetics (formerly Invitae), Labcorp); PubMed 17347258 (cited by Labcorp Genetics (formerly Invitae), Labcorp); PubMed 18930999 (cited by Labcorp Genetics (formerly Invitae), Labcorp).

NM_001165963.4(SCN1A):c.539T>G (p.Leu180Ter)

Gene: SCN1A (sodium voltage-gated channel alpha subunit 1; minus strand). Cytogenetic location: 2q24.3.
Variant type: single nucleotide variant.
Coding change: c.539T>G on transcript NM_001165963.4 (MANE Select); coding-DNA position 539, T replaced by G.
Protein change: p.Leu180Ter; replaces leucine 180 with a stop codon.
Molecular consequence: nonsense. On other transcripts: 5 prime UTR variant (1), non-coding transcript variant (1).
Genome position (GRCh38, 1-based): chr2:166,054,701, A>C on the plus strand (T>G on the coding strand, the complement: SCN1A is on the minus strand). VCF-style: chr2-166054701-A-C. GRCh37 (hg19) VCF-style: chr2-166911211-A-C.
Other names: c.539T>G, p.Leu180Ter (NM_001165964.3, NM_001202435.3, NM_001353948.2 and 10 more transcripts); c.-1887T>G (NM_001353961.2); short protein forms L180*.
Identifiers: ClinVar variation 808869 (VCV000808869.46), dbSNP rs1574281711, ClinGen allele CA349075493.